The following is an entry in ClinVar:

NM_005862.3(STAG1):c.2924_2936+11dup

Gene: STAG1 (STAG1 cohesin complex component; minus strand). Cytogenetic location: 3q22.3.
Variant type: Duplication.
Coding change: c.2924_2936+11dup on transcript NM_005862.3 (MANE Select); coding-DNA position 2924 through 11 bases into the intron after coding-DNA position 2936, 24 bases duplicated (CCACACTTCACAAGTGAGTGAGAT).
Molecular consequence: splice donor variant.
Genome position (GRCh38, 1-based): chr3:136,359,137-136,359,160, ATCTCACTCACTTGTGAAGTGTGG duplicated on the plus strand (CCACACTTCACAAGTGAGTGAGAT on the coding strand, the reverse complement: STAG1 is on the minus strand). VCF-style (leftmost placement, unchanged base first): chr3-136359136-T-TATCTCACTCACTTGTGAAGTGTGG. GRCh37 (hg19) VCF-style: chr3-136077978-T-TATCTCACTCACTTGTGAAGTGTGG.
Identifiers: ClinVar variation 3573659 (VCV003573659.1).

ClinVar aggregate classification (germline): Uncertain significance (1 of 4 stars; one submission).

Submission:

GeneDx
Classification: Uncertain significance. Last evaluated: 2024-07-11. Review status: criteria provided, single submitter. Criteria: GeneDx Variant Classification Process June 2021. Collection method: clinical testing. Allele origin: germline. Affected: yes.
Comment: Not observed at significant frequency in large population cohorts (gnomAD); Has not been previously published as pathogenic or benign to our knowledge; In silico analysis suggests this variant may impact gene splicing. In the absence of RNA/functional studies, the actual effect of this sequence change is unknown.